The following is an entry in ClinVar:

NM_005660.3(SLC35A2):c.523C>T (p.Leu175Phe)

Gene: SLC35A2 (solute carrier family 35 member A2; minus strand). Cytogenetic location: Xp11.23.
Variant type: single nucleotide variant.
Coding change: c.523C>T on transcript NM_005660.3 (MANE Select); coding-DNA position 523, C replaced by T.
Protein change: p.Leu175Phe; replaces leucine 175 with phenylalanine.
Molecular consequence: missense variant. On other transcripts: intron variant (3).
Genome position (GRCh38, 1-based): chrX:48,905,386, G>A on the plus strand (C>T on the coding strand, the complement: SLC35A2 is on the minus strand). VCF-style: chrX-48905386-G-A. GRCh37 (hg19) VCF-style: chrX-48762663-G-A.
Other names: c.523C>T, p.Leu175Phe (NM_001042498.3); c.340C>T, p.Leu114Phe (NM_001282649.2); c.562C>T, p.Leu188Phe (NM_001282650.2); c.607C>T, p.Leu203Phe (NM_001282651.2); c.427-494C>T (NM_001282647.2, NM_001032289.3); c.355-494C>T (NM_001282648.2); short protein forms L175F, L203F, L114F, L188F.
Identifiers: ClinVar variation 570350 (VCV000570350.11), dbSNP rs1283637638, ClinGen allele CA412895785.

ClinVar aggregate classification (germline): Pathogenic. Review status: criteria provided, multiple submitters, no conflicts (2 of 4 stars). 3 submissions from 3 submitters: Pathogenic (2). 1 of the submissions does not count toward it. Last evaluated 2026-01-27.

Conditions:
SLC35A2-congenital disorder of glycosylation. Also called: DEVELOPMENTAL AND EPILEPTIC ENCEPHALOPATHY 22; CONGENITAL DISORDER OF GLYCOSYLATION, TYPE IIm, SOMATIC MOSAIC; CONGENITAL DISORDER OF GLYCOSYLATION, TYPE IIm; CDG IIm; SLC35A2-CDG; EPILEPTIC ENCEPHALOPATHY, EARLY INFANTILE, 22. Identifiers: Orphanet 356961, MedGen C3806688, MONDO:0010478, OMIM 300896.

Submissions (3):

3billion
Classification: Pathogenic for SLC35A2-congenital disorder of glycosylation. Last evaluated: 2026-01-27. Review status: criteria provided, single submitter. Criteria: ACMG Guidelines, 2015. Collection method: clinical testing. Allele origin: germline. Affected: yes.
Comment: The variant is not observed in the gnomAD v4.1.0 dataset. Predicted Consequence/Location: Missense variant In silico tool predictions suggest damaging effect of the variant on gene or gene product [REVEL: 0.74 (>=0.6, sensitivity 0.68 and specificity 0.92); 3Cnet: 0.93 (> 0.75, sensitivity 0.96 and precision 0.92)]. The same nucleotide change resulting in the same amino acid change has been previously reported to be associated with SLC35A2-related disorder (PMID: 30653653). The variant has been observed in at least two similarly affected unrelated individuals (PMID: 30653653, 30817854). The variant has been previously reported as assumed (i.e. paternity and maternity not confirmed) de novo in at least two similarly affected unrelated individuals (PMID: 30653653, 30817854). Therefore, this variant is classified as Pathogenic according to the recommendation of ACMG/AMP guideline.

Labcorp Genetics (formerly Invitae), Labcorp
Classification: Pathogenic for SLC35A2-congenital disorder of glycosylation. Last evaluated: 2020-07-15. Review status: criteria provided, single submitter. Criteria: Invitae Variant Classification Sherloc (09022015). Collection method: clinical testing. Allele origin: germline.
Comment: This sequence change replaces leucine with phenylalanine at codon 175 of the SLC35A2 protein (p.Leu175Phe). The leucine residue is highly conserved and there is a small physicochemical difference between leucine and phenylalanine. This variant is not present in population databases (ExAC no frequency). This variant has been observed in individuals with SLC35A2-CDG (PMID: 30653653, 30817854). In at least one individual the variant was observed to be de novo. Algorithms developed to predict the effect of missense changes on protein structure and function are either unavailable or do not agree on the potential impact of this missense change (SIFT: "Deleterious"; PolyPhen-2: "Probably Damaging"; Align-GVGD: "Class C0"). For these reasons, this variant has been classified as Pathogenic.

Fulgent Genetics
Classification: Uncertain significance for SLC35A2-congenital disorder of glycosylation. Last evaluated: 2018-10-31. Review status: flagged submission. Criteria: ACMG Guidelines, 2015. Collection method: clinical testing. Allele origin: unknown. Not counted in ClinVar's aggregate classification.
ClinVar note: Reason: Older claim that does not account for recent evidence

Literature cited by the submitters: PubMed 30817854 (cited by 3billion and Labcorp Genetics (formerly Invitae), Labcorp); PubMed 30653653 (cited by 3billion and Labcorp Genetics (formerly Invitae), Labcorp).